The following is an entry in ClinVar:

NM_006269.2(RP1):c.490C>G (p.Pro164Ala)

Gene: RP1 (RP1 axonemal microtubule associated; plus strand). Cytogenetic location: 8q12.1.
Variant type: single nucleotide variant.
Coding change: c.490C>G on transcript NM_006269.2 (MANE Select); coding-DNA position 490, C replaced by G.
Protein change: p.Pro164Ala; replaces proline 164 with alanine.
Molecular consequence: missense variant.
Genome position (GRCh38, 1-based): chr8:54,621,456, C>G. VCF-style: chr8-54621456-C-G. GRCh37 (hg19) VCF-style: chr8-55534016-C-G.
Other names: c.490C>G, p.Pro164Ala (NM_001375654.1); short protein forms P164A.
Identifiers: ClinVar variation 2877163 (VCV002877163.3), dbSNP rs1805871961, ClinGen allele CA370987038.

ClinVar aggregate classification (germline): Uncertain significance (1 of 4 stars; one submission).

Allele frequency attached by ClinVar (database versions not stated): gnomAD exomes below 0.00001.
gnomAD v4.1: 1 of 1,613,986 alleles (0.000062%); highest among the groups gnomAD compares: East Asian, 0.0022%; no homozygotes.

Submission:

Labcorp Genetics (formerly Invitae), Labcorp
Classification: Uncertain significance. Last evaluated: 2023-09-05. Review status: criteria provided, single submitter. Criteria: Invitae Variant Classification Sherloc (09022015). Collection method: clinical testing. Allele origin: germline.
Comment: In summary, the available evidence is currently insufficient to determine the role of this variant in disease. Therefore, it has been classified as a Variant of Uncertain Significance. An algorithm developed to predict the effect of missense changes on protein structure and function (PolyPhen-2) suggests that this variant is likely to be disruptive. This variant has not been reported in the literature in individuals affected with RP1-related conditions. This variant is not present in population databases (gnomAD no frequency). This sequence change replaces proline, which is neutral and non-polar, with alanine, which is neutral and non-polar, at codon 164 of the RP1 protein (p.Pro164Ala).